The following is an entry in ClinVar:

ClinVar aggregate classification (germline): Pathogenic. Review status: criteria provided, single submitter (1 of 4 stars). 2 submissions from 2 submitters: Pathogenic (1). 1 of the submissions does not count toward it. Last evaluated 2025-04-01.

Conditions:
Joubert syndrome. Also called: CEREBELLOPARENCHYMAL DISORDER IV; JOUBERT-BOLTSHAUSER SYNDROME; Familial aplasia of the vermis. Identifiers: Orphanet 475, MedGen C5979921, MONDO:0018772.
Nephronophthisis. Also called: Juvenile Nephronophthisis. Identifiers: Orphanet 655, MedGen C0687120, MONDO:0019005, HP:0000090.
Meckel-Gruber syndrome. Also called: DYSENCEPHALIA SPLANCHNOCYSTICA; GRUBER SYNDROME; Dysencephalia splachnocystica. Identifiers: Orphanet 564, MedGen C0265215, MONDO:0018921.
Retinal dystrophy. Also called: Inherited retinal dystrophy. Identifiers: Orphanet 71862, MedGen C0854723, MeSH D058499, MONDO:0019118, HP:0000556.

Submissions (2):

Labcorp Genetics (formerly Invitae), Labcorp
Classification: Pathogenic for Joubert syndrome; Meckel-Gruber syndrome; Nephronophthisis. Last evaluated: 2025-04-01. Review status: criteria provided, single submitter. Criteria: Invitae Variant Classification Sherloc (09022015). Collection method: clinical testing. Allele origin: germline.
Comment: This sequence change creates a premature translational stop signal (p.Asn85Ilefs*3) in the CEP290 gene. It is expected to result in an absent or disrupted protein product. Loss-of-function variants in CEP290 are known to be pathogenic (PMID: 16909394, 17345604, 20690115). This variant is not present in population databases (gnomAD no frequency). This variant has not been reported in the literature in individuals affected with CEP290-related conditions. ClinVar contains an entry for this variant (Variation ID: 2944855). For these reasons, this variant has been classified as Pathogenic.

Institute of Human Genetics, Univ. Regensburg, Univ. Regensburg
Classification: Pathogenic for Retinal dystrophy. Last evaluated: 2017-01-01. Review status: no assertion criteria provided. Criteria: ACMG Guidelines, 2015. Collection method: clinical testing. Allele origin: germline. Affected: yes. Not counted in ClinVar's aggregate classification.

Literature cited by the submitters: PubMed 16909394 (cited by Labcorp Genetics (formerly Invitae), Labcorp); PubMed 17345604 (cited by Labcorp Genetics (formerly Invitae), Labcorp); PubMed 20690115 (cited by Labcorp Genetics (formerly Invitae), Labcorp).

NM_025114.4(CEP290):c.254del (p.Asn85fs)

Gene: CEP290 (centrosomal protein 290; minus strand). Cytogenetic location: 12q21.32.
Variant type: Deletion.
Coding change: c.254del on transcript NM_025114.4 (MANE Select); coding-DNA position 254, one base deleted (A; older notation c.254delA).
Protein change: p.Asn85fs; shifts the reading frame from asparagine 85.
Molecular consequence: frameshift variant.
Genome position (GRCh38, 1-based): chr12:88,139,188, T deleted on the plus strand (A on the coding strand, the reverse complement: CEP290 is on the minus strand); the first of 4 consecutive T bases (chr12:88,139,188-88,139,191); deleting any one gives the same sequence. VCF-style (leftmost placement, unchanged base first): chr12-88139187-AT-A. GRCh37 (hg19) VCF-style: chr12-88532964-AT-A.
Other names: short protein forms N85fs.
Identifiers: ClinVar variation 2944855 (VCV002944855.4), dbSNP rs2138259100, ClinGen allele CA2620111726.